The following is an entry in ClinVar:

NM_018124.4(RFWD3):c.1577G>A (p.Ser526Asn)

Gene: RFWD3 (ring finger and WD repeat domain 3; minus strand). Cytogenetic location: 16q23.1.
Variant type: single nucleotide variant.
Coding change: c.1577G>A on transcript NM_018124.4 (MANE Select); coding-DNA position 1577, G replaced by A.
Protein change: p.Ser526Asn; replaces serine 526 with asparagine.
Molecular consequence: missense variant.
Genome position (GRCh38, 1-based): chr16:74,632,523, C>T on the plus strand (G>A on the coding strand, the complement: RFWD3 is on the minus strand). VCF-style: chr16-74632523-C-T. GRCh37 (hg19) VCF-style: chr16-74666421-C-T.
Other names: c.1577G>A, p.Ser526Asn (NM_001370534.1, NM_001370535.1); c.1577G>A, p.Arg526Lys (NM_001370536.1); c.743G>A, p.Ser248Asn (NM_001370537.1, NM_001370539.1, NM_001370540.1 and 3 more transcripts); short protein forms R526K, S248N, S526N.
Identifiers: ClinVar variation 2441970 (VCV002441970.3), dbSNP rs759902600, ClinGen allele CA8169171.
Genomic context (GRCh38, chr16:74,632,523, plus strand): 5'-AATTCCATGCTACTCAACACCAAAGAGCCCAGTCTCCACCTACTTCCCCAAATCACTCAC[C>T]TGGTCAGTTTAATAGTGTTGTCTAGGGAAGCAGAGAGTAGCAAGCCTCTGAGGTAACTGC-3'
Protein context (NP_060594.3, residues 516-536): ASLDNTIKLT[Ser526Asn]LETNTVVQTY

ClinVar aggregate classification (germline): Uncertain significance. Review status: criteria provided, multiple submitters, no conflicts (2 of 4 stars). 2 submissions from 2 submitters: Uncertain significance (2). Last evaluated 2024-02-24.

Conditions:
Fanconi anemia, complementation group W. Identifiers: MedGen C4521564, MONDO:0044325, OMIM 617784.

Allele frequency attached by ClinVar (database versions not stated): ExAC 0.00001; gnomAD exomes 0.00001.

Submissions (2):

Labcorp Genetics (formerly Invitae), Labcorp
Classification: Uncertain significance. Last evaluated: 2024-02-24. Review status: criteria provided, single submitter. Criteria: Invitae Variant Classification Sherloc (09022015). Collection method: clinical testing. Allele origin: germline.
Comment: This sequence change replaces serine, which is neutral and polar, with asparagine, which is neutral and polar, at codon 526 of the RFWD3 protein (p.Ser526Asn). This variant also falls at the last nucleotide of exon 9, which is part of the consensus splice site for this exon. This variant is present in population databases (rs759902600, gnomAD 0.002%). This variant has not been reported in the literature in individuals affected with RFWD3-related conditions. ClinVar contains an entry for this variant (Variation ID: 2441970). An algorithm developed to predict the effect of missense changes on protein structure and function (PolyPhen-2) suggests that this variant is likely to be disruptive. Variants that disrupt the consensus splice site are a relatively common cause of aberrant splicing (PMID: 17576681, 9536098). In summary, the available evidence is currently insufficient to determine the role of this variant in disease. Therefore, it has been classified as a Variant of Uncertain Significance.

Baylor Genetics
Classification: Uncertain significance for Fanconi anemia, complementation group W. Last evaluated: 2021-06-02. Review status: criteria provided, single submitter. Criteria: ACMG Guidelines, 2015. Collection method: clinical testing. Allele origin: unknown.

Literature cited by the submitters: PubMed 17576681 (cited by Labcorp Genetics (formerly Invitae), Labcorp); PubMed 9536098 (cited by Labcorp Genetics (formerly Invitae), Labcorp).